The following is an entry in ClinVar:

NM_012318.3(LETM1):c.1962C>A (p.Ile654=)

Gene: LETM1 (leucine zipper and EF-hand containing transmembrane protein 1; minus strand). Cytogenetic location: 4p16.3.
Variant type: single nucleotide variant.
Coding change: c.1962C>A on transcript NM_012318.3 (MANE Select); coding-DNA position 1962, C replaced by A.
Protein change: p.Ile654=; no amino-acid change (isoleucine 654 retained).
Molecular consequence: synonymous variant.
Genome position (GRCh38, 1-based): chr4:1,815,772, G>T on the plus strand (C>A on the coding strand, the complement: LETM1 is on the minus strand). VCF-style: chr4-1815772-G-T. GRCh37 (hg19) VCF-style: chr4-1817499-G-T.
Identifiers: ClinVar variation 2882711 (VCV002882711.19), dbSNP rs147463751, ClinGen allele CA2811094.

ClinVar aggregate classification (germline): Likely benign. Review status: criteria provided, multiple submitters, no conflicts (2 of 4 stars). 2 submissions from 2 submitters: Likely benign (2). Last evaluated 2024-08-01.

Allele frequency attached by ClinVar (database versions not stated): gnomAD 0.00003; TOPMed 0.00006; ESP Exome Variant Server 0.00008.
gnomAD v4.1: 39 of 1,614,062 alleles (0.0024%); highest among the groups gnomAD compares: Non-Finnish European, 0.0032%; no homozygotes.

Submissions (2):

CeGaT Center for Human Genetics Tuebingen
Classification: Likely benign. Last evaluated: 2024-08-01. Review status: criteria provided, single submitter. Criteria: CeGaT Center For Human Genetics Tuebingen Variant Classification Criteria Version 2. Collection method: clinical testing. Allele origin: germline. Affected: yes. Observed: 1 variant allele.
Comment: LETM1: BP4, BP7

Labcorp Genetics (formerly Invitae), Labcorp
Classification: Likely benign. Last evaluated: 2024-04-22. Review status: criteria provided, single submitter. Criteria: Invitae Variant Classification Sherloc (09022015). Collection method: clinical testing. Allele origin: germline.